The following is an entry in ClinVar:

ClinVar aggregate classification (germline): Pathogenic. Review status: criteria provided, multiple submitters, no conflicts (2 of 4 stars). 2 submissions from 2 submitters: Pathogenic (2). Last evaluated 2025-05-18.

Conditions:
Fructose-biphosphatase deficiency (FBP1D). Also called: Fructose-1,6-Diphosphatase Deficiency; Fructose 1,6 Bisphosphatase Deficiency; Fructose-1,6-Bisphosphatase 1 Deficiency. Identifiers: Orphanet 348, MedGen C0016756, MONDO:0009251, OMIM 229700.

Submissions (2):

Labcorp Genetics (formerly Invitae), Labcorp
Classification: Pathogenic for Fructose-biphosphatase deficiency. Last evaluated: 2025-05-18. Review status: criteria provided, single submitter. Criteria: Invitae Variant Classification Sherloc (09022015). Collection method: clinical testing. Allele origin: germline.
Comment: This sequence change affects a donor splice site in intron 3 of the FBP1 gene. It is expected to disrupt RNA splicing. Variants that disrupt the donor or acceptor splice site typically lead to a loss of protein function (PMID: 16199547), and loss-of-function variants in FBP1 are known to be pathogenic (PMID: 9382095, 19259699, 27101822). This variant is not present in population databases (gnomAD no frequency). Disruption of this splice site has been observed in individual(s) with fructose-1,6-bisphosphatase deficiency (PMID: 29992913). In at least one individual the data is consistent with being in trans (on the opposite chromosome) from a pathogenic variant. ClinVar contains an entry for this variant (Variation ID: 1322891). Algorithms developed to predict the effect of sequence changes on RNA splicing suggest that this variant may disrupt the consensus splice site. For these reasons, this variant has been classified as Pathogenic.

Revvity Omics, Revvity
Classification: Pathogenic for Fructose-biphosphatase deficiency. Last evaluated: 2020-11-05. Review status: criteria provided, single submitter. Criteria: ACMG Guidelines, 2015. Collection method: clinical testing. Allele origin: germline.

Literature cited by the submitters: PubMed 16199547 (cited by Labcorp Genetics (formerly Invitae), Labcorp); PubMed 9382095 (cited by Labcorp Genetics (formerly Invitae), Labcorp); PubMed 19259699 (cited by Labcorp Genetics (formerly Invitae), Labcorp); PubMed 27101822 (cited by Labcorp Genetics (formerly Invitae), Labcorp); PubMed 29992913 (cited by Labcorp Genetics (formerly Invitae), Labcorp).

NM_000507.4(FBP1):c.426+1G>A

Gene: FBP1 (fructose-bisphosphatase 1; minus strand). Cytogenetic location: 9q22.32.
Variant type: single nucleotide variant.
Coding change: c.426+1G>A on transcript NM_000507.4 (MANE Select); the canonical splice donor site of the intron after coding-DNA position 426, G replaced by A.
Molecular consequence: splice donor variant.
Genome position (GRCh38, 1-based): chr9:94,617,767, C>T on the plus strand (G>A on the coding strand, the complement: FBP1 is on the minus strand). VCF-style: chr9-94617767-C-T. GRCh37 (hg19) VCF-style: chr9-97380049-C-T.
Other names: c.426+1G>A (NM_001127628.2).
Identifiers: ClinVar variation 1322891 (VCV001322891.7), dbSNP rs1563983184, ClinGen allele CA374108248.
Genomic context (GRCh38, chr9:94,617,767, plus strand): 5'-GACTGGATGCTCAATCTTAACTTCTGTCCCCAAACCAAGTGCTTAAGATATCACGTTTTA[C>T]CTTTCTATAGATGCCAAAAATGGTTCCAACGGACACAAGGCAATCGATGTTGGAAGATCC-3'